The following is an entry in ClinVar:

NM_006158.5(NEFL):c.331C>G (p.Leu111Val)

Gene: NEFL (neurofilament light chain; minus strand). Cytogenetic location: 8p21.2.
Variant type: single nucleotide variant.
Coding change: c.331C>G on transcript NM_006158.5 (MANE Select); coding-DNA position 331, C replaced by G.
Protein change: p.Leu111Val; replaces leucine 111 with valine.
Molecular consequence: missense variant.
Genome position (GRCh38, 1-based): chr8:24,956,185, G>C on the plus strand (C>G on the coding strand, the complement: NEFL is on the minus strand). VCF-style: chr8-24956185-G-C. GRCh37 (hg19) VCF-style: chr8-24813699-G-C.
Other names: c.331C>G (NM_006158.3); short protein forms L111V.
Identifiers: ClinVar variation 2916833 (VCV002916833.4), dbSNP rs1251288264, ClinGen allele CA370622764.
Genomic context (GRCh38, chr8:24,956,185, plus strand): 5'-CGGAGTGCTTCTGGCGCAGCACCAGCAGCTCGGCTTCCAGGACCTTGTTCTGCTGCTCCA[G>C]CTCGTGCACGCGCTCGATGAAGCTGGCGAAGCGGTCATTGAGGTCCTGGAGCTGCGCCTT-3'
Protein context (NP_006149.2, residues 101-121): FASFIERVHE[Leu111Val]EQQNKVLEAE

ClinVar aggregate classification (germline): Uncertain significance. Review status: criteria provided, multiple submitters, no conflicts (2 of 4 stars). 2 submissions from 2 submitters: Uncertain significance (2). Last evaluated 2025-11-03.

Conditions:
Inborn genetic diseases. Identifiers: MedGen C0950123, MeSH D030342.
Charcot-Marie-Tooth disease type 2E (CMT2E). Also called: CHARCOT-MARIE-TOOTH NEUROPATHY, TYPE 2E; CHARCOT-MARIE-TOOTH DISEASE, AXONAL, TYPE 2E. Identifiers: Orphanet 99939, MedGen C1843225, MONDO:0011894, OMIM 607684.

Submissions (2):

Ambry Genetics
Classification: Uncertain significance for Inborn genetic diseases. Last evaluated: 2025-11-03. Review status: criteria provided, single submitter. Criteria: Ambry Variant Classification Scheme 2023. Collection method: clinical testing. Allele origin: germline.

Labcorp Genetics (formerly Invitae), Labcorp
Classification: Uncertain significance for Charcot-Marie-Tooth disease type 2E. Last evaluated: 2023-05-22. Review status: criteria provided, single submitter. Criteria: Invitae Variant Classification Sherloc (09022015). Collection method: clinical testing. Allele origin: germline.
Comment: This sequence change replaces leucine, which is neutral and non-polar, with valine, which is neutral and non-polar, at codon 111 of the NEFL protein (p.Leu111Val). This variant is not present in population databases (gnomAD no frequency). This variant has not been reported in the literature in individuals affected with NEFL-related conditions. Advanced modeling of protein sequence and biophysical properties (such as structural, functional, and spatial information, amino acid conservation, physicochemical variation, residue mobility, and thermodynamic stability) has been performed at Invitae for this missense variant, however the output from this modeling did not meet the statistical confidence thresholds required to predict the impact of this variant on NEFL protein function. In summary, the available evidence is currently insufficient to determine the role of this variant in disease. Therefore, it has been classified as a Variant of Uncertain Significance.